The following is an entry in ClinVar:

ClinVar aggregate classification (germline): Uncertain significance (1 of 4 stars; one submission).

Allele frequency attached by ClinVar (database versions not stated): gnomAD exomes 0.00001.
gnomAD v4.1: 9 of 1,614,166 alleles (0.00056%); highest among the groups gnomAD compares: Non-Finnish European, 0.00076%; no homozygotes.

Submission:

Labcorp Genetics (formerly Invitae), Labcorp
Classification: Uncertain significance. Last evaluated: 2025-06-27. Review status: criteria provided, single submitter. Criteria: Invitae Variant Classification Sherloc (09022015). Collection method: clinical testing. Allele origin: germline.
Comment: This sequence change replaces leucine, which is neutral and non-polar, with serine, which is neutral and polar, at codon 177 of the NFE2L2 protein (p.Leu177Ser). This variant is present in population databases (rs767995415, gnomAD 0.002%). This variant has not been reported in the literature in individuals affected with NFE2L2-related conditions. ClinVar contains an entry for this variant (Variation ID: 1971953). Invitae Evidence Modeling of protein sequence and biophysical properties (such as structural, functional, and spatial information, amino acid conservation, physicochemical variation, residue mobility, and thermodynamic stability) indicates that this missense variant is not expected to disrupt NFE2L2 protein function with a negative predictive value of 80%. In summary, the available evidence is currently insufficient to determine the role of this variant in disease. Therefore, it has been classified as a Variant of Uncertain Significance.

NM_006164.5(NFE2L2):c.530T>C (p.Leu177Ser)

Gene: NFE2L2 (NFE2 like bZIP transcription factor 2; minus strand). Cytogenetic location: 2q31.2.
Variant type: single nucleotide variant.
Coding change: c.530T>C on transcript NM_006164.5 (MANE Select); coding-DNA position 530, T replaced by C.
Protein change: p.Leu177Ser; replaces leucine 177 with serine.
Molecular consequence: missense variant.
Genome position (GRCh38, 1-based): chr2:177,232,456, A>G on the plus strand (T>C on the coding strand, the complement: NFE2L2 is on the minus strand). VCF-style: chr2-177232456-A-G. GRCh37 (hg19) VCF-style: chr2-178097184-A-G.
Other names: c.482T>C, p.Leu161Ser (NM_001145412.3, NM_001313900.1, NM_001313901.1); c.461T>C, p.Leu154Ser (NM_001145413.3); c.440T>C, p.Leu147Ser (NM_001313902.2); c.311T>C, p.Leu104Ser (NM_001313903.2); c.230T>C, p.Leu77Ser (NM_001313904.1); short protein forms L154S, L177S, L104S, L77S, L147S, L161S.
Identifiers: ClinVar variation 1971953 (VCV001971953.5), dbSNP rs767995415, ClinGen allele CA60883823.